The following is an entry in ClinVar:

GRCh37/hg19 Yq11.221-11.23(chrY:18921311-28799937)x0

Genes: BPY2 (basic charge Y-linked 2; plus strand), BPY2B (basic charge Y-linked 2B; plus strand), BPY2C (basic charge Y-linked 2C; minus strand), CDY1 (chromodomain Y-linked 1; plus strand), CDY2A (chromodomain Y-linked 2A; plus strand) and 35 more. Cytogenetic location: Yq11.221-11.23.
Variant type: copy number loss.
Change: copy number 0 of chrY:18,921,311-28,799,937 (9.88 Mb, GRCh37 coordinates, 1-based), cytogenetic band Yq11.221-11.23.
Identifiers: ClinVar variation 2685222 (VCV002685222.1).

ClinVar aggregate classification (germline): Pathogenic (1 of 4 stars; one submission).

Submission:

Quest Diagnostics Nichols Institute San Juan Capistrano
Classification: Pathogenic. Last evaluated: 2023-03-17. Review status: criteria provided, single submitter. Criteria: ACMG/ClinGen CNV Guidelines, 2019. Collection method: clinical testing. Allele origin: unknown.
Comment: The copy number loss of Yq11.221q11.23 involves numerous protein-coding genes, most notably DAZ1 (OMIM 400003), DAZ2 (OMIM 400026), DAZ3 (OMIM 400027), and DAZ4 (OMIM 400048). Full and partial deletions of the DAZ cluster have been associated with oligozoospermia or azoospermia and male infertility (Zhang 2015, Nongthombam 2022, Zhu 2020) as well as other phenotypes (Firth 2009). There are no similar copy number losses of this region in the general populations of the Database of Genomic Variants. Thus, based on current medical literature, this copy number variant (CNV) is classified as pathogenic. References: Firth et al., Am J Hum Genet. 2009 Apr;84(4):524-33. PMID: 19344873 Nongthombam et al., Genes Genomics. 2022 Nov 24. PMID: 36434389 Zhang et al., Gene. 2015 Oct 15;571(1):9-16. PMID: 26232607 Zhu et al., Gene. 2020 Apr 20;735:144389. PMID: 31982552